The following is an entry in ClinVar:

ClinVar aggregate classification (germline): Uncertain significance (1 of 4 stars; one submission).

Conditions:
ZTTK syndrome (ZTTKS). Also called: ZTTK MULTIPLE CONGENITAL ANOMALIES-MENTAL RETARDATION SYNDROME; Zhu-Tokita-Takenouchi-Kim Syndrome. Identifiers: Orphanet 500150, MedGen C4310696, MONDO:0014936, OMIM 617140.

Submission:

Baylor Genetics
Classification: Uncertain significance for ZTTK syndrome. Last evaluated: 2020-07-09. Review status: criteria provided, single submitter. Criteria: ACMG Guidelines, 2015. Collection method: clinical testing. Allele origin: unknown. Affected: yes.
Comment: This variant was determined to be of uncertain significance according to ACMG Guidelines, 2015 [PMID:25741868].

NM_138927.4(SON):c.637G>C (p.Glu213Gln)

Gene: SON (SON DNA and RNA binding protein; plus strand). Cytogenetic location: 21q22.11.
Variant type: single nucleotide variant.
Coding change: c.637G>C on transcript NM_138927.4 (MANE Select); coding-DNA position 637, G replaced by C.
Protein change: p.Glu213Gln; replaces glutamic acid 213 with glutamine.
Molecular consequence: missense variant. On other transcripts: non-coding transcript variant (1), intron variant (1).
Genome position (GRCh38, 1-based): chr21:33,549,868, G>C. VCF-style: chr21-33549868-G-C. GRCh37 (hg19) VCF-style: chr21-34922174-G-C.
Other names: c.637G>C, p.Glu213Gln (NM_001291411.2, NM_032195.3); c.244+3489G>C (NM_001291412.3); short protein forms E213Q.
Identifiers: ClinVar variation 1030019 (VCV001030019.1), dbSNP rs2085716994, ClinGen allele CA410151831.